The following is an entry in ClinVar:

NM_182914.3(SYNE2):c.12781C>T (p.Pro4261Ser)

Gene: SYNE2 (spectrin repeat containing nuclear envelope protein 2; plus strand). Cytogenetic location: 14q23.2.
Variant type: single nucleotide variant.
Coding change: c.12781C>T on transcript NM_182914.3 (MANE Select); coding-DNA position 12781, C replaced by T.
Protein change: p.Pro4261Ser; replaces proline 4261 with serine.
Molecular consequence: missense variant.
Genome position (GRCh38, 1-based): chr14:64,113,512, C>T. VCF-style: chr14-64113512-C-T. GRCh37 (hg19) VCF-style: chr14-64580230-C-T.
Other names: c.12781C>T, p.Pro4261Ser (NM_015180.6); short protein forms P4261S.
Identifiers: ClinVar variation 3346629 (VCV003346629.1).

ClinVar aggregate classification (germline): Uncertain significance (0 of 4 stars; one submission).

Conditions:
SYNE2-related disorder. Also called: SYNE2-related condition.

Submission:

PreventionGenetics, part of Exact Sciences
Classification: Uncertain significance for SYNE2-related condition. Last evaluated: 2024-07-04. Review status: no assertion criteria provided. Collection method: clinical testing. Allele origin: germline.
Comment: The SYNE2 c.12781C>T variant is predicted to result in the amino acid substitution p.Pro4261Ser. To our knowledge, this variant has not been reported in the literature or in a large population database, indicating this variant is rare. At this time, the clinical significance of this variant is uncertain due to the absence of conclusive functional and genetic evidence.